The following is an entry in ClinVar:

ClinVar aggregate classification (germline): Uncertain significance (1 of 4 stars; one submission).

Allele frequency attached by ClinVar (database versions not stated): gnomAD exomes below 0.00001.
gnomAD v4.1: 2 of 1,575,654 alleles (0.00013%); highest among the groups gnomAD compares: Non-Finnish European, 0.00017%; no homozygotes.

Submission:

GeneDx
Classification: Uncertain significance. Last evaluated: 2017-04-21. Review status: criteria provided, single submitter. Criteria: GeneDx Variant Classification (06012015). Collection method: clinical testing. Allele origin: germline. Affected: yes.
Comment: The R700H variant in the CHD8 gene has not been reported previously as a pathogenic variant, nor as a benign variant, to our knowledge. The R700H variant is not observed in large population cohorts (Lek et al., 2016; 1000 Genomes Consortium et al., 2015; Exome Variant Server). The R700H variant is a conservative amino acid substitution, which is not likely to impact secondary protein structure as these residues share similar properties. However, this substitution occurs at a position that is conserved across species, and in silico analysis predicts this variant is probably damaging to the protein structure/function. We interpret R700H as a variant of uncertain significance.

NM_001170629.2(CHD8):c.2099G>A (p.Arg700His)

Gene: CHD8 (chromodomain helicase DNA binding protein 8; minus strand). Cytogenetic location: 14q11.2.
Variant type: single nucleotide variant.
Coding change: c.2099G>A on transcript NM_001170629.2 (MANE Select); coding-DNA position 2099, G replaced by A.
Protein change: p.Arg700His; replaces arginine 700 with histidine.
Molecular consequence: missense variant.
Genome position (GRCh38, 1-based): chr14:21,414,344, C>T on the plus strand (G>A on the coding strand, the complement: CHD8 is on the minus strand). VCF-style: chr14-21414344-C-T. GRCh37 (hg19) VCF-style: chr14-21882503-C-T.
Other names: c.1262G>A, p.Arg421His (NM_020920.4); short protein forms R421H, R700H.
Identifiers: ClinVar variation 426294 (VCV000426294.2), dbSNP rs1085307545, ClinGen allele CA388877987.